The following is an entry in ClinVar:

NM_000553.6(WRN):c.2033A>G (p.His678Arg)

Gene: WRN (WRN RecQ like helicase; plus strand). Cytogenetic location: 8p12.
Variant type: single nucleotide variant.
Coding change: c.2033A>G on transcript NM_000553.6 (MANE Select); coding-DNA position 2033, A replaced by G.
Protein change: p.His678Arg; replaces histidine 678 with arginine.
Molecular consequence: missense variant.
Genome position (GRCh38, 1-based): chr8:31,100,900, A>G. VCF-style: chr8-31100900-A-G. GRCh37 (hg19) VCF-style: chr8-30958416-A-G.
Other names: short protein forms H678R.
Identifiers: ClinVar variation 1059894 (VCV001059894.5), dbSNP rs747555501, ClinGen allele CA4704604.

ClinVar aggregate classification (germline): Uncertain significance (1 of 4 stars; one submission).

Conditions:
Werner syndrome (WRN). Identifiers: Orphanet 902, MedGen C0043119, MONDO:0010196, OMIM 277700.

Allele frequency attached by ClinVar (database versions not stated): gnomAD exomes below 0.00001; ExAC 0.00001; gnomAD 0.00001; TOPMed 0.00001.
gnomAD v4.1: 3 of 1,613,904 alleles (0.00019%); highest among the groups gnomAD compares: African/African-American, 0.0013%; no homozygotes.

Submission:

Labcorp Genetics (formerly Invitae), Labcorp
Classification: Uncertain significance for Werner syndrome. Last evaluated: 2024-10-29. Review status: criteria provided, single submitter. Criteria: Invitae Variant Classification Sherloc (09022015). Collection method: clinical testing. Allele origin: germline.
Comment: This sequence change replaces histidine, which is basic and polar, with arginine, which is basic and polar, at codon 678 of the WRN protein (p.His678Arg). This variant is present in population databases (rs747555501, gnomAD 0.007%). This variant has not been reported in the literature in individuals affected with WRN-related conditions. ClinVar contains an entry for this variant (Variation ID: 1059894). An algorithm developed to predict the effect of missense changes on protein structure and function (PolyPhen-2) suggests that this variant is likely to be disruptive. In summary, the available evidence is currently insufficient to determine the role of this variant in disease. Therefore, it has been classified as a Variant of Uncertain Significance.